The following is an entry in ClinVar:

NM_019066.5(MAGEL2):c.1630A>G (p.Thr544Ala)

Gene: MAGEL2 (MAGE family member L2; minus strand). Cytogenetic location: 15q11.2.
Variant type: single nucleotide variant.
Coding change: c.1630A>G on transcript NM_019066.5 (MANE Select); coding-DNA position 1630, A replaced by G.
Protein change: p.Thr544Ala; replaces threonine 544 with alanine.
Molecular consequence: missense variant.
Genome position (GRCh38, 1-based): chr15:23,646,113, T>C on the plus strand (A>G on the coding strand, the complement: MAGEL2 is on the minus strand). VCF-style: chr15-23646113-T-C. GRCh37 (hg19) VCF-style: chr15-23891260-T-C.
Other names: c.1630A>G (NM_019066.4); short protein forms T544A.
Identifiers: ClinVar variation 3690992 (VCV003690992.3).
Genomic context (GRCh38, chr15:23,646,113, plus strand): 5'-GCTGGGGCACCTGCGGGCCAGCGGGCGGCGCCGCGGGTACCTGCGTAGCAGGTGGGGCCG[T>C]AGGCACCTGCGGCGCCGCCTGCACCTGCGGGGCCGGCAGCCTAGCCTGCGGGGCCTGCCG-3'
Protein context (NP_061939.3, residues 534-554): PQVQAAPQVP[Thr544Ala]APPATQVPAA

ClinVar aggregate classification (germline): Uncertain significance. Review status: criteria provided, multiple submitters, no conflicts (2 of 4 stars). 2 submissions from 2 submitters: Uncertain significance (2). Last evaluated 2024-12-30.

gnomAD v4.1: 19 of 1,391,292 alleles (0.0014%); highest among the groups gnomAD compares: Non-Finnish European, 0.0018%; no homozygotes.

Submissions (2):

GeneDx
Classification: Uncertain significance. Last evaluated: 2024-12-30. Review status: criteria provided, single submitter. Criteria: GeneDx Variant Classification Process June 2021. Collection method: clinical testing. Allele origin: germline. Affected: yes.
Comment: Not observed at significant frequency in large population cohorts (gnomAD); Has not been previously published as pathogenic or benign to our knowledge; In-silico analysis is inconclusive as to whether the variant impacts protein structure/function. In the absence of functional studies, the actual effect of this sequence change is unknown

Labcorp Genetics (formerly Invitae), Labcorp
Classification: Uncertain significance. Last evaluated: 2024-05-18. Review status: criteria provided, single submitter. Criteria: Invitae Variant Classification Sherloc (09022015). Collection method: clinical testing. Allele origin: germline.
Comment: This sequence change replaces threonine, which is neutral and polar, with alanine, which is neutral and non-polar, at codon 544 of the MAGEL2 protein (p.Thr544Ala). This variant is not present in population databases (gnomAD no frequency). This variant has not been reported in the literature in individuals affected with MAGEL2-related conditions. Advanced modeling of protein sequence and biophysical properties (such as structural, functional, and spatial information, amino acid conservation, physicochemical variation, residue mobility, and thermodynamic stability) performed at Invitae indicates that this missense variant is not expected to disrupt MAGEL2 protein function with a negative predictive value of 80%. In summary, the available evidence is currently insufficient to determine the role of this variant in disease. Therefore, it has been classified as a Variant of Uncertain Significance.